The following is an entry in ClinVar:

ClinVar aggregate classification (germline): Conflicting classifications of pathogenicity. Review status: criteria provided, conflicting classifications (1 of 4 stars). 4 submissions from 4 submitters: Uncertain significance (1); Likely benign (3). Last evaluated 2024-11-15.

Conditions:
COL6A2-related disorder.
Bethlem myopathy 1A. Also called: Bethlem Muscular Dystrophy; Bethlem myopathy 1; MYOPATHY, BENIGN CONGENITAL, WITH CONTRACTURES. Identifiers: Orphanet 610, MedGen CN029274, MONDO:0024530, OMIM 158810.

Allele frequency attached by ClinVar (database versions not stated): gnomAD 0.00001 and 0.00002; gnomAD exomes 0.00002; TOPMed 0.00003; ExAC 0.00001.
gnomAD v4.1: 33 of 1,612,624 alleles (0.002%); highest among the groups gnomAD compares: Admixed American, 0.0083%; no homozygotes.

Submissions (4):

PreventionGenetics, part of Exact Sciences
Classification: Likely benign for COL6A2-related condition. Last evaluated: 2024-11-15. Review status: criteria provided, single submitter. Criteria: ACMG Guidelines, 2015. Collection method: clinical testing. Allele origin: germline.
Comment: This variant is classified as likely benign based on ACMG/AMP sequence variant interpretation guidelines (Richards et al. 2015 PMID: 25741868, with internal and published modifications).

Blueprint Genetics
Classification: Likely benign. Last evaluated: 2024-10-18. Review status: criteria provided, single submitter. Criteria: ACMG Guidelines, 2015. Collection method: clinical testing. Allele origin: germline.

Labcorp Genetics (formerly Invitae), Labcorp
Classification: Likely benign for Bethlem myopathy 1A. Last evaluated: 2024-09-13. Review status: criteria provided, single submitter. Criteria: Invitae Variant Classification Sherloc (09022015). Collection method: clinical testing. Allele origin: germline.

Eurofins Ntd Llc (ga)
Classification: Uncertain significance. Last evaluated: 2018-08-17. Review status: criteria provided, single submitter. Criteria: EGL ClinVar v180209 classification definitions. Collection method: clinical testing. Allele origin: germline. Observed: 1 variant allele, 1 heterozygote.

NM_001849.4(COL6A2):c.408C>T (p.Cys136=)

Gene: COL6A2 (collagen type VI alpha 2 chain; plus strand). Cytogenetic location: 21q22.3.
Variant type: single nucleotide variant.
Coding change: c.408C>T on transcript NM_001849.4 (MANE Select); coding-DNA position 408, C replaced by T.
Protein change: p.Cys136=; no amino-acid change (cysteine 136 retained).
Molecular consequence: synonymous variant.
Genome position (GRCh38, 1-based): chr21:46,112,271, C>T. VCF-style: chr21-46112271-C-T. GRCh37 (hg19) VCF-style: chr21-47532185-C-T.
Other names: c.408C>T, p.Cys136= (NM_058174.3, NM_058175.3).
Identifiers: ClinVar variation 598421 (VCV000598421.14), dbSNP rs745970130, ClinGen allele CA10071284.